The following is an entry in ClinVar:

NM_001378615.1(CC2D2A):c.1947G>A (p.Thr649=)

Genes: CC2D2A (coiled-coil and C2 domain containing 2A; plus strand), FBXL5 (F-box and leucine rich repeat protein 5; minus strand). Cytogenetic location: 4p15.32.
Variant type: single nucleotide variant.
Coding change: c.1947G>A on transcript NM_001378615.1 (MANE Select); coding-DNA position 1947, G replaced by A.
Protein change: p.Thr649=; no amino-acid change (threonine 649 retained).
Molecular consequence: synonymous variant.
Genome position (GRCh38, 1-based): chr4:15,538,081, G>A. VCF-style: chr4-15538081-G-A. GRCh37 (hg19) VCF-style: chr4-15539704-G-A.
Other names: c.1947G>A, p.Thr649= (NM_001080522.2); c.1800G>A, p.Thr600= (NM_001378617.1).
Identifiers: ClinVar variation 347762 (VCV000347762.17), dbSNP rs756341605, ClinGen allele CA2863799.

ClinVar aggregate classification (germline): Conflicting classifications of pathogenicity. Review status: criteria provided, conflicting classifications (1 of 4 stars). 5 submissions from 4 submitters: Uncertain significance (2); Likely benign (2). 1 of the submissions does not count toward it. Last evaluated 2026-01-12.

Conditions:
CC2D2A-related disorder. Also called: CC2D2A-related disorders; CC2D2A-related condition. Identifiers: MedGen CN239313.
Meckel-Gruber syndrome. Also called: Dysencephalia splachnocystica; DYSENCEPHALIA SPLANCHNOCYSTICA; GRUBER SYNDROME. Identifiers: Orphanet 564, MedGen C0265215, MONDO:0018921.
Joubert syndrome. Also called: JOUBERT-BOLTSHAUSER SYNDROME; Familial aplasia of the vermis. Identifiers: Orphanet 475, MedGen C5979921, MONDO:0018772.
Meckel syndrome, type 6. Identifiers: Orphanet 564, MedGen C2676790, MONDO:0012848, OMIM 612284.
Joubert syndrome 9 (JBTS9). Identifiers: Orphanet 2318, MedGen C2676788, MONDO:0012849, OMIM 612285.

Allele frequency attached by ClinVar (database versions not stated): gnomAD exomes 0.00003 and 0.00004; gnomAD 0.00009 and 0.00010; ExAC 0.00010; TOPMed 0.00012.
gnomAD v4.1: 73 of 1,605,762 alleles (0.0045%); highest among the groups gnomAD compares: African/African-American, 0.029%; 1 homozygote.

Submissions (5):

Labcorp Genetics (formerly Invitae), Labcorp
Classification: Likely benign for Joubert syndrome; Meckel-Gruber syndrome. Last evaluated: 2026-01-12. Review status: criteria provided, single submitter. Criteria: Invitae Variant Classification Sherloc (09022015). Collection method: clinical testing. Allele origin: germline.

Blueprint Genetics
Classification: Likely benign. Last evaluated: 2024-06-17. Review status: criteria provided, single submitter. Criteria: ACMG Guidelines, 2015. Collection method: clinical testing. Allele origin: germline.

Illumina Laboratory Services, Illumina
Classification: Uncertain significance for Joubert syndrome 9. Last evaluated: 2018-01-13. Review status: criteria provided, single submitter. Criteria: ICSL Variant Classification Criteria 13 December 2019. Collection method: clinical testing. Allele origin: germline.

Illumina Laboratory Services, Illumina
Classification: Uncertain significance for Meckel syndrome, type 6. Last evaluated: 2018-01-13. Review status: criteria provided, single submitter. Criteria: ICSL Variant Classification Criteria 13 December 2019. Collection method: clinical testing. Allele origin: germline.

PreventionGenetics, part of Exact Sciences
Classification: Likely benign for CC2D2A-related condition. Last evaluated: 2021-09-23. Review status: no assertion criteria provided. Collection method: clinical testing. Allele origin: germline. Not counted in ClinVar's aggregate classification.
Comment: This variant is classified as likely benign based on ACMG/AMP sequence variant interpretation guidelines (Richards et al. 2015 PMID: 25741868, with internal and published modifications).